The following is an entry in ClinVar:

ClinVar aggregate classification (germline): Uncertain significance (1 of 4 stars; one submission).

Conditions:
Polycystic kidney disease, adult type (PKD1). Also called: Polycystic Kidney Disease 1, Autosomal Dominant; Polycystic kidney disease 1; Polycystic kidney disease 1, severe; Polycystic Kidney, Autosomal Dominant; POLYCYSTIC KIDNEY DISEASE 1 WITH OR WITHOUT POLYCYSTIC LIVER DISEASE; POLYCYSTIC KIDNEY DISEASE, ADULT, TYPE I. Identifiers: MedGen C3149841, MONDO:0008263, OMIM 173900.

Submission:

Victorian Clinical Genetics Services, Murdoch Childrens Research Institute
Classification: Uncertain significance for Polycystic kidney disease, adult type. Last evaluated: 2024-10-10. Review status: criteria provided, single submitter. Criteria: ACMG Guidelines, 2015. Collection method: clinical testing. Allele origin: germline. Inheritance: Autosomal dominant inheritance. Affected: yes.
Comment: Based on the classification scheme VCGS_Germline_v1.1.1, this variant is classified as a 3A-VUS. Following criteria are met: 0102 - Loss-of-function is a known mechanism of disease for this gene. (N) 0107 - This gene is known to be associated with autosomal dominant disease. (N) 0200 - Variant is predicted to result in a missense amino acid change from leucine to arginine (exon 22). (N) 0251 - Variant is heterozygous. (N) 0301 - Variant is absent from gnomAD. (P) 0309 - An alternative amino acid change at the same position has been observed in gnomAD (1 heterozygote, 0 homozygote). (N) 0501 - Missense variant consistently predicted to be damaging by multiple in-silico tools or highly conserved with a major amino acid change. (P) 0601 - Variant affects at least one well-established (essential) functional domain or motif (REJ domain; PDB, Uniprot, PMID: 12482949). (P) 0705 - No comparable variants have previous evidence for pathogenicity. (N) 0807 - Variant has not previously been reported in a clinical context. (N) 0905 - No segregation evidence has been identified for this variant. (N) 1007 - No published functional evidence has been identified for this variant. (N) 1208 - Segregation information for this variant is not currently available. (N)

Literature cited by the submitters: PubMed 12482949.

NM_001009944.3(PKD1):c.8072T>G (p.Leu2691Arg)

Gene: PKD1 (polycystin 1, transient receptor potential channel interacting; minus strand). Cytogenetic location: 16p13.3.
Variant type: single nucleotide variant.
Coding change: c.8072T>G on transcript NM_001009944.3 (MANE Select); coding-DNA position 8072, T replaced by G.
Protein change: p.Leu2691Arg; replaces leucine 2691 with arginine.
Molecular consequence: missense variant.
Genome position (GRCh38, 1-based): chr16:2,104,587, A>C on the plus strand (T>G on the coding strand, the complement: PKD1 is on the minus strand). VCF-style: chr16-2104587-A-C. GRCh37 (hg19) VCF-style: chr16-2154588-A-C.
Other names: c.8072T>G, p.Leu2691Arg (NM_000296.4); short protein forms L2691R.
Identifiers: ClinVar variation 1805309 (VCV001805309.2), dbSNP rs2544758004, ClinGen allele CA394365468.